The following is an entry in ClinVar:

NM_002204.4(ITGA3):c.1382G>A (p.Arg461Gln)

Gene: ITGA3 (integrin subunit alpha 3; plus strand). Cytogenetic location: 17q21.33.
Variant type: single nucleotide variant.
Coding change: c.1382G>A on transcript NM_002204.4 (MANE Select); coding-DNA position 1382, G replaced by A.
Protein change: p.Arg461Gln; replaces arginine 461 with glutamine.
Molecular consequence: missense variant.
Genome position (GRCh38, 1-based): chr17:50,074,280, G>A. VCF-style: chr17-50074280-G-A. GRCh37 (hg19) VCF-style: chr17-48151644-G-A.
Other names: NC_000017.10:g.48151644G>A; short protein forms R461Q.
Identifiers: ClinVar variation 1701324 (VCV001701324.32), dbSNP rs772057144, ClinGen allele CA8641514.

ClinVar aggregate classification (germline): Uncertain significance (1 of 4 stars; one submission).

Allele frequency attached by ClinVar (database versions not stated): ExAC 0.00001; gnomAD 0.00001; gnomAD exomes 0.00001.
gnomAD v4.1: 9 of 1,613,726 alleles (0.00056%); highest among the groups gnomAD compares: African/African-American, 0.0013%; no homozygotes.

Submissions (2):

CeGaT Center for Human Genetics Tuebingen
Classification: Uncertain significance. Last evaluated: 2023-09-01. Review status: criteria provided, single submitter. Criteria: CeGaT Center For Human Genetics Tuebingen Variant Classification Criteria Version 2. Collection method: clinical testing. Allele origin: germline. Affected: yes. Observed: 4 variant alleles.
Comment: ITGA3: PM2, PM3:Supporting, PP3

Dr. Peter K. Rogan Lab, Western University
No classification provided (evidence only). Condition: Gastric cancer. Review status: no classification provided. Collection method: in vitro. Allele origin: not applicable. Functional consequence: retained intron. Not counted in ClinVar's aggregate classification.